The following is an entry in ClinVar:

ClinVar aggregate classification (germline): Benign (1 of 4 stars; one submission).

Allele frequency attached by ClinVar (database versions not stated): gnomAD 0.98637 and 0.98666; TOPMed 0.98761; 1000 Genomes Project 30x 0.99344; 1000 Genomes Project 0.99361.
gnomAD v4.1: 150,322 of 152,334 alleles (99%); highest among the groups gnomAD compares: East Asian, 100%; 74,175 homozygotes.

Submission:

GeneDx
Classification: Benign. Last evaluated: 2018-06-14. Review status: criteria provided, single submitter. Criteria: GeneDx Variant Classification (06012015). Collection method: clinical testing. Allele origin: germline. Affected: yes.
Comment: This variant is considered likely benign or benign based on one or more of the following criteria: it is a conservative change, it occurs at a poorly conserved position in the protein, it is predicted to be benign by multiple in silico algorithms, and/or has population frequency not consistent with disease.

NM_000337.6(SGCD):c.192+192G>A

Gene: SGCD (sarcoglycan delta; plus strand). Cytogenetic location: 5q33.3.
Variant type: single nucleotide variant.
Coding change: c.192+192G>A on transcript NM_000337.6 (MANE Select); 192 bases into the intron after coding-DNA position 192, G replaced by A.
Molecular consequence: intron variant.
Genome position (GRCh38, 1-based): chr5:156,344,869, G>A. VCF-style: chr5-156344869-G-A. GRCh37 (hg19) VCF-style: chr5-155771879-G-A.
Other names: c.189+192G>A (NM_001128209.2); c.192+192G>A (NM_172244.3).
Identifiers: ClinVar variation 672041 (VCV000672041.1), dbSNP rs9313890, ClinGen allele CA130594240.